The following is an entry in ClinVar:

NM_001042413.2(GLIS3):c.*3692A>T

Gene: GLIS3 (GLIS family zinc finger 3; minus strand). Cytogenetic location: 9p24.2.
Variant type: single nucleotide variant.
Coding change: c.*3692A>T on transcript NM_001042413.2 (MANE Select); 3692 bases downstream of the stop codon, A replaced by T.
Molecular consequence: 3 prime UTR variant.
Genome position (GRCh38, 1-based): chr9:3,824,580, T>A on the plus strand (A>T on the coding strand, the complement: GLIS3 is on the minus strand). VCF-style: chr9-3824580-T-A. GRCh37 (hg19) VCF-style: chr9-3824580-T-A.
Other names: c.*3692A>T (NM_152629.4).
Identifiers: ClinVar variation 366885 (VCV000366885.5), dbSNP rs75958174, ClinGen allele CA10633687.
Genomic context (GRCh38, chr9:3,824,580, plus strand): 5'-ATTTTACTTTTGACATAAAAAAAGGACTTCATGAACAAGACAAAATAACTTATGATTATA[T>A]GAAACATAACTGTGACAAATCACAAAACTATACATATTAATAGAAAAAAGTGTACCTAAT-3'

ClinVar aggregate classification (germline): Benign (1 of 4 stars; one submission).

Conditions:
Neonatal diabetes mellitus with congenital hypothyroidism. Also called: NDH SYNDROME. Identifiers: Orphanet 79118, MedGen C1857775, MONDO:0012436, OMIM 610199.

Allele frequency attached by ClinVar (database versions not stated): gnomAD 0.04783; TOPMed 0.05717; 1000 Genomes Project 0.05751; 1000 Genomes Project 30x 0.06340.

Submission:

Illumina Laboratory Services, Illumina
Classification: Benign for Neonatal diabetes mellitus with congenital hypothyroidism. Last evaluated: 2018-01-13. Review status: criteria provided, single submitter. Criteria: ICSL Variant Classification Criteria 13 December 2019. Collection method: clinical testing. Allele origin: germline.
Comment: This variant was observed in the ICSL laboratory as part of a predisposition screen in an ostensibly healthy population. It had not been previously curated by ICSL or reported in the Human Gene Mutation Database (HGMD: prior to June 1st, 2018), and was therefore a candidate for classification through an automated scoring system. Utilizing variant allele frequency, disease prevalence and penetrance estimates, and inheritance mode, an automated score was calculated to assess if this variant is too frequent to cause the disease. Based on the score and internal cut-off values, a variant classified as benign is not then subjected to further curation. The score for this variant resulted in a classification of benign for this disease.